The following is an entry in ClinVar:

ClinVar aggregate classification (germline): Uncertain significance (1 of 4 stars; one submission).

Conditions:
Infantile-onset ascending hereditary spastic paralysis (IAHSP). Also called: Autosomal Recessive Juvenile Amyotrophic Lateral Sclerosis; Infantile-Onset Ascending Hereditary Spastic Paralysis (IAHSP). Identifiers: Orphanet 293168, MedGen C2931441, MONDO:0011797, OMIM 607225. Disease mechanism: loss of function.

Allele frequency attached by ClinVar (database versions not stated): gnomAD exomes below 0.00001; ExAC 0.00001; gnomAD 0.00001 and 0.00002; TOPMed 0.00001; 1000 Genomes Project 0.00020; 1000 Genomes Project 30x 0.00047.
gnomAD v4.1: 4 of 1,613,878 alleles (0.00025%); highest among the groups gnomAD compares: African/African-American, 0.0013%; no homozygotes.

Submission:

Labcorp Genetics (formerly Invitae), Labcorp
Classification: Uncertain significance for Infantile-onset ascending hereditary spastic paralysis. Last evaluated: 2018-03-15. Review status: criteria provided, single submitter. Criteria: Invitae Variant Classification Sherloc (09022015). Collection method: clinical testing. Allele origin: germline.
Comment: In summary, the available evidence is currently insufficient to determine the role of this variant in disease. Therefore, it has been classified as a Variant of Uncertain Significance. Algorithms developed to predict the effect of missense changes on protein structure and function (SIFT, PolyPhen-2, Align-GVGD) all suggest that this variant is likely to be disruptive, but these predictions have not been confirmed by published functional studies and their clinical significance is uncertain. This variant has not been reported in the literature in individuals with ALS2-related disease. This variant is present in population databases (rs534239794, ExAC 0.006%). This sequence change replaces proline with serine at codon 1479 of the ALS2 protein (p.Pro1479Ser). The proline residue is highly conserved and there is a moderate physicochemical difference between proline and serine.

NM_020919.4(ALS2):c.4435C>T (p.Pro1479Ser)

Gene: ALS2 (alsin Rho guanine nucleotide exchange factor ALS2; minus strand). Cytogenetic location: 2q33.1.
Variant type: single nucleotide variant.
Coding change: c.4435C>T on transcript NM_020919.4 (MANE Select); coding-DNA position 4435, C replaced by T.
Protein change: p.Pro1479Ser; replaces proline 1479 with serine.
Molecular consequence: missense variant.
Genome position (GRCh38, 1-based): chr2:201,706,991, G>A on the plus strand (C>T on the coding strand, the complement: ALS2 is on the minus strand). VCF-style: chr2-201706991-G-A. GRCh37 (hg19) VCF-style: chr2-202571714-G-A.
Other names: short protein forms P1479S.
Identifiers: ClinVar variation 578554 (VCV000578554.8), dbSNP rs534239794, ClinGen allele CA2057567.